The following is an entry in ClinVar:

NM_003151.4(STAT4):c.1081G>A (p.Ala361Thr)

Gene: STAT4 (signal transducer and activator of transcription 4; minus strand). Cytogenetic location: 2q32.2.
Variant type: single nucleotide variant.
Coding change: c.1081G>A on transcript NM_003151.4 (MANE Select); coding-DNA position 1081, G replaced by A.
Protein change: p.Ala361Thr; replaces alanine 361 with threonine.
Molecular consequence: missense variant.
Genome position (GRCh38, 1-based): chr2:191,058,723, C>T on the plus strand (G>A on the coding strand, the complement: STAT4 is on the minus strand). VCF-style: chr2-191058723-C-T. GRCh37 (hg19) VCF-style: chr2-191923449-C-T.
Other names: c.1081G>A, p.Ala361Thr (NM_001243835.2); short protein forms A361T.
Identifiers: ClinVar variation 2172001 (VCV002172001.4), dbSNP rs751746803, ClinGen allele CA2030700.

ClinVar aggregate classification (germline): Uncertain significance (1 of 4 stars; one submission).

Allele frequency attached by ClinVar (database versions not stated): TOPMed 0.00006; ExAC 0.00007; gnomAD 0.00007.
gnomAD v4.1: 53 of 1,589,856 alleles (0.0033%); highest among the groups gnomAD compares: African/African-American, 0.014%; no homozygotes.

Submission:

Labcorp Genetics (formerly Invitae), Labcorp
Classification: Uncertain significance. Last evaluated: 2025-12-23. Review status: criteria provided, single submitter. Criteria: Invitae Variant Classification Sherloc (09022015). Collection method: clinical testing. Allele origin: germline.
Comment: This sequence change replaces alanine, which is neutral and non-polar, with threonine, which is neutral and polar, at codon 361 of the STAT4 protein (p.Ala361Thr). This variant is present in population databases (rs751746803, gnomAD 0.02%). This variant has not been reported in the literature in individuals affected with STAT4-related conditions. ClinVar contains an entry for this variant (Variation ID: 2172001). Invitae Evidence Modeling of protein sequence and biophysical properties (such as structural, functional, and spatial information, amino acid conservation, physicochemical variation, residue mobility, and thermodynamic stability) indicates that this missense variant is not expected to disrupt STAT4 protein function with a negative predictive value of 80%. In summary, the available evidence is currently insufficient to determine the role of this variant in disease. Therefore, it has been classified as a Variant of Uncertain Significance.